The following continues an entry in ClinVar:

NM_003000.3(SDHB):c.423+1G>A

Gene: SDHB. ClinVar aggregate classification (germline): Pathogenic. Pathogenic (12).

Submissions 10 to 17 of 17:

ARUP Laboratories, Molecular Genetics and Genomics, ARUP Laboratories
Classification: Pathogenic. Last evaluated: 2019-12-19. Review status: criteria provided, single submitter. Criteria: ARUP Molecular Germline Variant Investigation Process. Collection method: clinical testing. Allele origin: germline.
Comment: The SDHB c.423+1G>A variant (rs398122805) is described in the medical literature in individuals and families with paraganglioma and pheochromocytoma (Bayley 2006, Ercolino 2009, Erlic 2009, Hensen 2012, Hes 2010). The variant has also been shown to have reduced penetrance (Hes 2010). The variant is described in the ClinVar database (Variation ID: 29896) and in the Genome Aggregation Database in 3 out of 251,374 alleles. This variant occurs in the conserved splicing signal and has been shown to result in an in-frame deletion of 18 amino acids (Ercolino 2009). Considering available information, this variant is classified as pathogenic. References: Bayley JP et al. Mutation analysis of SDHB and SDHC: novel germline mutations in sporadic head and neck paraganglioma and familial paraganglioma and/or pheochromocytoma. BMC Med Genet. 2006 7:1. Ercolino T et al. Malignant extra-adrenal pheochromocytoma caused by an SDHB intronic variation leading to a 54-bp deletion in exon 4. J Endocrinol Invest. 2009 32(2):111-4. Erlic Z et al. Clinical predictors and algorithm for the genetic diagnosis of pheochromocytoma patients. Clin Cancer Res. 2009 15(20):6378-85. Hensen EF et al. High prevalence of founder mutations of the succinate dehydrogenase genes in the Netherlands. Clin Genet. 2012 Mar;81(3):284-8. Hes FJ et al. Low penetrance of a SDHB mutation in a large Dutch paraganglioma family. BMC Med Genet. 2010 11:92.

Fulgent Genetics
Classification: Pathogenic for Pheochromocytoma/paraganglioma syndrome 4; Pheochromocytoma; Carney-Stratakis syndrome. Last evaluated: 2018-10-31. Review status: criteria provided, single submitter. Criteria: ACMG Guidelines, 2015. Collection method: clinical testing. Allele origin: unknown.

Juno Genomics, Hangzhou Juno Genomics, Inc
Classification: Pathogenic for Gastrointestinal stromal tumor; Mitochondrial complex 2 deficiency, nuclear type 4; Carney-Stratakis syndrome; Pheochromocytoma/paraganglioma syndrome 4. Review status: criteria provided, single submitter. Criteria: ACMG Guidelines, 2015. Collection method: clinical testing. Allele origin: germline.
Comment: Absent from controls (or at extremely low frequency if recessive) in Genome Aggregation Database.;Null variant in a gene where loss of function (LOF) is a known mechanism of disease.;The prevalence of the variant in affected individuals is significantly increased compared to the prevalence in controls.

OMIM
Classification: Pathogenic for PHEOCHROMOCYTOMA/PARAGANGLIOMA SYNDROME 4. Last evaluated: 2012-03-01. Review status: no assertion criteria provided. Collection method: literature only. Allele origin: germline. Not counted in ClinVar's aggregate classification.

Genome Diagnostics Laboratory, Amsterdam University Medical Center
Classification: Pathogenic. Review status: no assertion criteria provided. Collection method: clinical testing. Allele origin: germline. Affected: yes. Study: VKGL Data-share Consensus. Not counted in ClinVar's aggregate classification.

Genome Diagnostics Laboratory, University Medical Center Utrecht
Classification: Pathogenic. Review status: no assertion criteria provided. Collection method: clinical testing. Allele origin: germline. Affected: yes. Study: VKGL Data-share Consensus. Not counted in ClinVar's aggregate classification.

Joint Genome Diagnostic Labs from Nijmegen and Maastricht, Radboudumc and MUMC+
Classification: Pathogenic. Review status: no assertion criteria provided. Collection method: clinical testing. Allele origin: germline. Affected: yes. Study: VKGL Data-share Consensus. Not counted in ClinVar's aggregate classification.

Section on Medical Neuroendocrinolgy, National Institutes of Health
Classification: Pathogenic for Hereditary pheochromocytoma and paraganglioma. Review status: no assertion criteria provided. Collection method: research. Allele origin: germline. Affected: yes. Not counted in ClinVar's aggregate classification.

Literature cited by the submitters: PubMed 16199547 (cited by Labcorp Genetics (formerly Invitae), Labcorp); PubMed 19454582 (cited by Labcorp Genetics (formerly Invitae), Labcorp); PubMed 19802898 (cited by Labcorp Genetics (formerly Invitae), Labcorp); PubMed 16405730 (cited by 4 submitters); PubMed 19411806 (cited by 4 submitters); PubMed 19825962 (cited by 4 submitters); PubMed 20540712 (cited by 5 submitters); PubMed 21348866 (cited by 6 submitters); PubMed 25047027 (cited by 3 submitters); PubMed 22517554 (cited by Labcorp Genetics (formerly Invitae), Labcorp); PubMed 31492822 (cited by 3 submitters); PubMed 31666924 (cited by Labcorp Genetics (formerly Invitae), Labcorp); PubMed 21934479 (cited by 3 submitters); PubMed 26283294 (cited by 3 submitters); PubMed 28503760 (cited by 3 submitters); PubMed 30050099 (cited by 3 submitters); PubMed 28490599 (cited by Mayo Clinic Laboratories, Mayo Clinic); PubMed 32741965 (cited by Mayo Clinic Laboratories, Mayo Clinic); PubMed 28070496 (cited by Myriad Genetics, Inc.); PubMed 27011036 (cited by Myriad Genetics, Inc.); PubMed 26259135 (cited by Myriad Genetics, Inc.); PubMed 16450730 (cited by Department of Pathology and Laboratory Medicine, Sinai Health System); PubMed 21565294 (cited by OMIM).